The following is an entry in ClinVar:

NM_022089.4(ATP13A2):c.3061T>A (p.Phe1021Ile)

Gene: ATP13A2 (ATPase cation transporting 13A2; minus strand). Cytogenetic location: 1p36.13.
Variant type: single nucleotide variant.
Coding change: c.3061T>A on transcript NM_022089.4 (MANE Select); coding-DNA position 3061, T replaced by A.
Protein change: p.Phe1021Ile; replaces phenylalanine 1021 with isoleucine.
Molecular consequence: missense variant.
Genome position (GRCh38, 1-based): chr1:16,987,068, A>T on the plus strand (T>A on the coding strand, the complement: ATP13A2 is on the minus strand). VCF-style: chr1-16987068-A-T. GRCh37 (hg19) VCF-style: chr1-17313563-A-T.
Other names: c.3046T>A, p.Phe1016Ile (NM_001141973.3); c.2929T>A, p.Phe977Ile (NM_001141974.3); short protein forms F1016I, F1021I, F977I.
Identifiers: ClinVar variation 3767756 (VCV003767756.1).

ClinVar aggregate classification (germline): Uncertain significance (1 of 4 stars; one submission).

gnomAD v4.1: 1 of 1,613,338 alleles (0.000062%); highest among the groups gnomAD compares: Non-Finnish European, 0.000085%; no homozygotes.

Submission:

GeneDx
Classification: Uncertain significance. Last evaluated: 2024-09-04. Review status: criteria provided, single submitter. Criteria: GeneDx Variant Classification Process June 2021. Collection method: clinical testing. Allele origin: germline. Affected: yes.
Comment: Not observed at significant frequency in large population cohorts (gnomAD); In silico analysis indicates that this missense variant does not alter protein structure/function; Has not been previously published as pathogenic or benign to our knowledge